The following is an entry in ClinVar:

NM_144997.7(FLCN):c.208G>A (p.Glu70Lys)

Gene: FLCN (folliculin; minus strand). Cytogenetic location: 17p11.2.
Variant type: single nucleotide variant.
Coding change: c.208G>A on transcript NM_144997.7 (MANE Select); coding-DNA position 208, G replaced by A.
Protein change: p.Glu70Lys; replaces glutamic acid 70 with lysine.
Molecular consequence: missense variant.
Genome position (GRCh38, 1-based): chr17:17,227,930, C>T on the plus strand (G>A on the coding strand, the complement: FLCN is on the minus strand). VCF-style: chr17-17227930-C-T. GRCh37 (hg19) VCF-style: chr17-17131244-C-T.
Other names: c.208G>A (LRG_325t1); c.208G>A, p.Glu70Lys (NM_001353229.2, NM_001353230.2, NM_001353231.2 and 1 more transcripts); short protein forms E70K.
Identifiers: ClinVar variation 409409 (VCV000409409.16), dbSNP rs554247745, ClinGen allele CA8416495.

ClinVar aggregate classification (germline): Conflicting classifications of pathogenicity. Review status: criteria provided, conflicting classifications (1 of 4 stars). 4 submissions from 4 submitters: Uncertain significance (2); Benign (1); Likely benign (1). Last evaluated 2025-11-03.

Conditions:
Hereditary cancer-predisposing syndrome. Also called: Hereditary neoplastic syndrome; Neoplastic Syndromes, Hereditary; Tumor predisposition; Hereditary Cancer Syndrome. Identifiers: Orphanet 140162, MedGen C0027672, MeSH D009386, MONDO:0015356.
Birt-Hogg-Dube syndrome 1 (BHD1). Also called: FIBROFOLLICULOMAS WITH TRICHODISCOMAS AND ACROCHORDONS. Identifiers: Orphanet 122, MedGen CN375946, MONDO:0800445, OMIM 135150.
Birt-Hogg-Dube syndrome. Also called: Birt Hogg Dubé syndrome. Identifiers: Orphanet 122, MedGen C0346010, MONDO:0800444.

Allele frequency attached by ClinVar (database versions not stated): TOPMed below 0.00001; gnomAD 0.00001 and 0.00002; ExAC 0.00002; gnomAD exomes 0.00002; 1000 Genomes Project 30x 0.00016; 1000 Genomes Project 0.00020.
gnomAD v4.1: 17 of 1,614,124 alleles (0.0011%); highest among the groups gnomAD compares: South Asian, 0.0088%; no homozygotes.

Submissions (4):

Labcorp Genetics (formerly Invitae), Labcorp
Classification: Uncertain significance for Birt-Hogg-Dube syndrome. Last evaluated: 2025-11-03. Review status: criteria provided, single submitter. Criteria: Invitae Variant Classification Sherloc (09022015). Collection method: clinical testing. Allele origin: germline.
Comment: This sequence change replaces glutamic acid, which is acidic and polar, with lysine, which is basic and polar, at codon 70 of the FLCN protein (p.Glu70Lys). This variant is present in population databases (rs554247745, gnomAD 0.02%). This variant has not been reported in the literature in individuals affected with FLCN-related conditions. ClinVar contains an entry for this variant (Variation ID: 409409). Invitae Evidence Modeling of protein sequence and biophysical properties (such as structural, functional, and spatial information, amino acid conservation, physicochemical variation, residue mobility, and thermodynamic stability) indicates that this missense variant is not expected to disrupt FLCN protein function with a negative predictive value of 80%. In summary, the available evidence is currently insufficient to determine the role of this variant in disease. Therefore, it has been classified as a Variant of Uncertain Significance.

Myriad Genetics, Inc.
Classification: Likely benign for Birt-Hogg-Dube syndrome 1. Last evaluated: 2024-08-12. Review status: criteria provided, single submitter. Criteria: Myriad Autosomal Dominant, Autosomal Recessive and X-Linked Classification Criteria (2023). Collection method: clinical testing. Allele origin: unknown.
Comment: This variant is considered likely benign. This variant has been observed at a population frequency that is significantly greater than expected given the associated disease prevalence and penetrance.

GeneDx
Classification: Uncertain significance. Last evaluated: 2023-10-10. Review status: criteria provided, single submitter. Criteria: GeneDx Variant Classification Process June 2021. Collection method: clinical testing. Allele origin: germline. Affected: yes.
Comment: Not observed at significant frequency in large population cohorts (gnomAD); In silico analysis supports that this missense variant does not alter protein structure/function; Has not been previously published as pathogenic or benign to our knowledge

Ambry Genetics
Classification: Benign for Hereditary cancer-predisposing syndrome. Last evaluated: 2023-09-13. Review status: criteria provided, single submitter. Criteria: Ambry Variant Classification Scheme 2023. Collection method: clinical testing. Allele origin: germline.